The following is an entry in ClinVar:

ClinVar aggregate classification (germline): Uncertain significance (1 of 4 stars; one submission).

Conditions:
X-linked Emery-Dreifuss muscular dystrophy. Also called: Muscular dystrophy, tardive Emery-Dreifuss type, with contractures. Identifiers: Orphanet 261, Orphanet 98863, MedGen C0751337, MONDO:0010680.

Submission:

Labcorp Genetics (formerly Invitae), Labcorp
Classification: Uncertain significance for Emery-Dreifuss muscular dystrophy 1, X-linked. Last evaluated: 2018-12-05. Review status: criteria provided, single submitter. Criteria: Invitae Variant Classification Sherloc (09022015). Collection method: clinical testing. Allele origin: germline.
Comment: This variant results in a copy number gain of the genomic region encompassing the full coding sequence of the EMD gene. The boundaries of this event are unknown as they extend beyond the assayed region for this gene and therefore may encompass additional genes. As the precise location of this event is unknown, it may be in tandem or it may be located elsewhere in the genome. This variant has not been reported in the literature in individuals with EMD-related conditions. In summary, the available evidence is currently insufficient to determine the role of this variant in disease. Therefore, it has been classified as a Variant of Uncertain Significance.

NC_000023.10:g.(?_153587342)_(153609567_?)dup

Genes: EMD (emerin; plus strand), FLNA (filamin A; minus strand). Cytogenetic location: Xq28.
Variant type: Duplication.
Identifiers: ClinVar variation 658451 (VCV000658451.1).